The following is an entry in ClinVar:

ClinVar aggregate classification (germline): Uncertain significance (1 of 4 stars; one submission).

Conditions:
Inborn genetic diseases. Identifiers: MedGen C0950123, MeSH D030342.

Submission:

Ambry Genetics
Classification: Uncertain significance for Inborn genetic diseases. Last evaluated: 2025-07-20. Review status: criteria provided, single submitter. Criteria: Ambry Variant Classification Scheme 2023. Collection method: clinical testing. Allele origin: germline.
Comment: The p.P799L variant (also known as c.2396C>T), located in coding exon 12 of the BMPR2 gene, results from a C to T substitution at nucleotide position 2396. The proline at codon 799 is replaced by leucine, an amino acid with similar properties. This amino acid position is conserved. In addition, the in silico prediction for this alteration is inconclusive. Based on the available evidence, the clinical significance of this variant remains unclear.

NM_001204.7(BMPR2):c.2396C>T (p.Pro799Leu)

Gene: BMPR2 (bone morphogenetic protein receptor type 2; plus strand). Cytogenetic location: 2q33.2.
Variant type: single nucleotide variant.
Coding change: c.2396C>T on transcript NM_001204.7 (MANE Select); coding-DNA position 2396, C replaced by T.
Protein change: p.Pro799Leu; replaces proline 799 with leucine.
Molecular consequence: missense variant.
Genome position (GRCh38, 1-based): chr2:202,556,061, C>T. VCF-style: chr2-202556061-C-T. GRCh37 (hg19) VCF-style: chr2-203420784-C-T.
Other names: short protein forms P799L.
Identifiers: ClinVar variation 4214459 (VCV004214459.1).